The following is an entry in ClinVar:

ClinVar aggregate classification (germline): Uncertain significance (1 of 4 stars; one submission).

Submission:

GeneDx
Classification: Uncertain significance. Last evaluated: 2025-03-25. Review status: criteria provided, single submitter. Criteria: GeneDx Variant Classification Process June 2021. Collection method: clinical testing. Allele origin: germline. Affected: yes.
Comment: Not observed at significant frequency in large population cohorts (gnomAD); Frameshift variant predicted to result in abnormal protein length as the last 112 amino acids are replaced with 125 different amino acids; Has not been previously published as pathogenic or benign to our knowledge

NM_138383.3(MTSS2):c.1907_1925del (p.Lys636fs)

Gene: MTSS2 (MTSS I-BAR domain containing 2; minus strand). Cytogenetic location: 16q22.1.
Variant type: Deletion.
Coding change: c.1907_1925del on transcript NM_138383.3 (MANE Select); coding-DNA positions 1907 to 1925, 19 bases deleted (AGAGGCTCAGCCTGCCCAA).
Protein change: p.Lys636fs; shifts the reading frame from lysine 636.
Molecular consequence: frameshift variant.
Genome position (GRCh38, 1-based): chr16:70,663,996-70,664,014, TTGGGCAGGCTGAGCCTCT deleted on the plus strand (AGAGGCTCAGCCTGCCCAA on the coding strand, the reverse complement: MTSS2 is on the minus strand); deleting any 19 consecutive bases within chr16:70,663,996-70,664,019 gives the same sequence; the c. name uses the placement nearest the transcript's 3' end. VCF-style (leftmost placement, unchanged base first): chr16-70663995-GTTGGGCAGGCTGAGCCTCT-G. GRCh37 (hg19) VCF-style: chr16-70697898-GTTGGGCAGGCTGAGCCTCT-G.
Other names: short protein forms K636fs.
Identifiers: ClinVar variation 4088217 (VCV004088217.1).
Genomic context (GRCh38, chr16:70,663,995, plus strand): 5'-GTCCTCGGCCCCTGCCCCGGGGTACCCGGCTGCCTCTGGGGATGGGCTGCCCCAGGCTGT[GTTGGGCAGGCTGAGCCTCT>G]TTGGGGAGGCCTTGGCGAGGTCCGGTGCCAGGGGTGAGGCGGTCTCGTCGGTATAGAAGA-3'